The following is an entry in ClinVar:

NM_031844.3(HNRNPU):c.468C>G (p.Asn156Lys)

Gene: HNRNPU (heterogeneous nuclear ribonucleoprotein U; minus strand). Cytogenetic location: 1q44.
Variant type: single nucleotide variant.
Coding change: c.468C>G on transcript NM_031844.3 (MANE Select); coding-DNA position 468, C replaced by G.
Protein change: p.Asn156Lys; replaces asparagine 156 with lysine.
Molecular consequence: missense variant.
Genome position (GRCh38, 1-based): chr1:244,863,840, G>C on the plus strand (C>G on the coding strand, the complement: HNRNPU is on the minus strand). VCF-style: chr1-244863840-G-C. GRCh37 (hg19) VCF-style: chr1-245027142-G-C.
Other names: c.468C>G (NM_031844.2); c.468C>G, p.Asn156Lys (NM_004501.3); short protein forms N156K.
Identifiers: ClinVar variation 3690690 (VCV003690690.3).
Genomic context (GRCh38, chr1:244,863,840, plus strand): 5'-CTGCTGTTGGGGCTGTTGCTGCTGCGTCGCCGGCGGTTGAGGCTGCTGCTCCCCGTGCCC[G>C]TTCTCGTCGCCCGCGCCTTCCTCTTCGTCCCCGAGCTCATCTTCCCCTTCCTGGAAACCC-3'
Protein context (NP_114032.2, residues 146-166): GDEEEGAGDE[Asn156Lys]GHGEQQPQPP

ClinVar aggregate classification (germline): Uncertain significance. Review status: criteria provided, multiple submitters, no conflicts (2 of 4 stars). 2 submissions from 2 submitters: Uncertain significance (2). Last evaluated 2025-12-08.

Conditions:
Inborn genetic diseases. Identifiers: MedGen C0950123, MeSH D030342.
Developmental and epileptic encephalopathy, 54. Also called: HNRNPU-Related Neurodevelopmental Disorder; Epileptic encephalopathy, early infantile, 54. Identifiers: MedGen C4479319, MONDO:0033363, OMIM 617391.

Submissions (2):

Ambry Genetics
Classification: Uncertain significance for Inborn genetic diseases. Last evaluated: 2025-12-08. Review status: criteria provided, single submitter. Criteria: Ambry Variant Classification Scheme 2023. Collection method: clinical testing. Allele origin: germline.

Labcorp Genetics (formerly Invitae), Labcorp
Classification: Uncertain significance for Developmental and epileptic encephalopathy, 54. Last evaluated: 2025-01-30. Review status: criteria provided, single submitter. Criteria: Invitae Variant Classification Sherloc (09022015). Collection method: clinical testing. Allele origin: germline.
Comment: This sequence change replaces asparagine, which is neutral and polar, with lysine, which is basic and polar, at codon 156 of the HNRNPU protein (p.Asn156Lys). This variant is not present in population databases (gnomAD no frequency). This variant has not been reported in the literature in individuals affected with HNRNPU-related conditions. Invitae Evidence Modeling of protein sequence and biophysical properties (such as structural, functional, and spatial information, amino acid conservation, physicochemical variation, residue mobility, and thermodynamic stability) indicates that this missense variant is not expected to disrupt HNRNPU protein function with a negative predictive value of 95%. In summary, the available evidence is currently insufficient to determine the role of this variant in disease. Therefore, it has been classified as a Variant of Uncertain Significance.